The following is an entry in ClinVar:

ClinVar aggregate classification (germline): Uncertain significance (1 of 4 stars; one submission).

Allele frequency attached by ClinVar (database versions not stated): gnomAD exomes 0.00001 and 0.00004; TOPMed 0.00001; ExAC 0.00003.
gnomAD v4.1: 13 of 1,614,202 alleles (0.00081%); highest among the groups gnomAD compares: Admixed American, 0.02%; no homozygotes.

Submission:

Labcorp Genetics (formerly Invitae), Labcorp
Classification: Uncertain significance. Last evaluated: 2022-07-09. Review status: criteria provided, single submitter. Criteria: Invitae Variant Classification Sherloc (09022015). Collection method: clinical testing. Allele origin: germline.
Comment: This sequence change replaces valine, which is neutral and non-polar, with methionine, which is neutral and non-polar, at codon 50 of the ERCC6 protein (p.Val50Met). This variant is present in population databases (rs746243560, gnomAD 0.02%). This variant has not been reported in the literature in individuals affected with ERCC6-related conditions. ClinVar contains an entry for this variant (Variation ID: 1444613). Algorithms developed to predict the effect of missense changes on protein structure and function (SIFT, PolyPhen-2, Align-GVGD) all suggest that this variant is likely to be tolerated. In summary, the available evidence is currently insufficient to determine the role of this variant in disease. Therefore, it has been classified as a Variant of Uncertain Significance.

NM_000124.4(ERCC6):c.148G>A (p.Val50Met)

Gene: ERCC6 (ERCC excision repair 6, chromatin remodeling factor; minus strand). Cytogenetic location: 10q11.23.
Variant type: single nucleotide variant.
Coding change: c.148G>A on transcript NM_000124.4 (MANE Select); coding-DNA position 148, G replaced by A.
Protein change: p.Val50Met; replaces valine 50 with methionine.
Molecular consequence: missense variant.
Genome position (GRCh38, 1-based): chr10:49,532,817, C>T on the plus strand (G>A on the coding strand, the complement: ERCC6 is on the minus strand). VCF-style: chr10-49532817-C-T. GRCh37 (hg19) VCF-style: chr10-50740863-C-T.
Other names: c.148G>A, p.Val50Met (NM_001277058.2, NM_001277059.2, NM_001346440.2); short protein forms V50M.
Identifiers: ClinVar variation 1444613 (VCV001444613.3), dbSNP rs746243560, ClinGen allele CA5496610.